The following is an entry in ClinVar:

NM_007194.4(CHEK2):c.73G>C (p.Val25Leu)

Gene: CHEK2 (checkpoint kinase 2; minus strand). Cytogenetic location: 22q12.1.
Variant type: single nucleotide variant.
Coding change: c.73G>C on transcript NM_007194.4 (MANE Select); coding-DNA position 73, G replaced by C.
Protein change: p.Val25Leu; replaces valine 25 with leucine.
Molecular consequence: missense variant.
Genome position (GRCh38, 1-based): chr22:28,734,649, C>G on the plus strand (G>C on the coding strand, the complement: CHEK2 is on the minus strand). VCF-style: chr22-28734649-C-G. GRCh37 (hg19) VCF-style: chr22-29130637-C-G.
Other names: c.73G>C, p.Val25Leu (NM_001005735.3, NM_001349956.3, NM_145862.3); c.-705G>C (NM_001257387.3); short protein forms V25L.
Identifiers: ClinVar variation 3722907 (VCV003722907.2).

ClinVar aggregate classification (germline): Uncertain significance (1 of 4 stars; one submission).

Conditions:
Familial cancer of breast. Also called: Hereditary breast cancer; BREAST CANCER, FAMILIAL; hereditary breast carcinoma. Identifiers: Orphanet 227535, MedGen C0346153, MONDO:0016419, OMIM 114480. Disease mechanism: loss of function.

Submission:

Labcorp Genetics (formerly Invitae), Labcorp
Classification: Uncertain significance for Familial cancer of breast. Last evaluated: 2024-10-15. Review status: criteria provided, single submitter. Criteria: Invitae Variant Classification Sherloc (09022015). Collection method: clinical testing. Allele origin: germline.
Comment: This sequence change replaces valine, which is neutral and non-polar, with leucine, which is neutral and non-polar, at codon 25 of the CHEK2 protein (p.Val25Leu). This variant is not present in population databases (gnomAD no frequency). This variant has not been reported in the literature in individuals affected with CHEK2-related conditions. An algorithm developed to predict the effect of missense changes on protein structure and function (PolyPhen-2) suggests that this variant is likely to be tolerated. In summary, the available evidence is currently insufficient to determine the role of this variant in disease. Therefore, it has been classified as a Variant of Uncertain Significance.